The following is an entry in ClinVar:

ClinVar aggregate classification (germline): Uncertain significance (1 of 4 stars; one submission).

Conditions:
Hereditary cancer-predisposing syndrome. Also called: Neoplastic Syndromes, Hereditary; Tumor predisposition; Hereditary Cancer Syndrome; Hereditary neoplastic syndrome. Identifiers: Orphanet 140162, MedGen C0027672, MeSH D009386, MONDO:0015356.

Submission:

Ambry Genetics
Classification: Uncertain significance for Hereditary cancer-predisposing syndrome. Last evaluated: 2025-12-18. Review status: criteria provided, single submitter. Criteria: Ambry Variant Classification Scheme 2023. Collection method: clinical testing. Allele origin: germline.
Comment: The p.K248* variant (also known as c.742A>T), located in coding exon 2 of the HOXB13 gene, results from an A to T substitution at nucleotide position 742. This changes the amino acid from a lysine to a stop codon within coding exon 2. This alteration occurs at the 3' terminus of the gene and is not expected to trigger nonsense-mediated mRNA decay. Based on the available evidence, the clinical significance of this alteration remains unclear.

NM_006361.6(HOXB13):c.742A>T (p.Lys248Ter)

Gene: HOXB13 (homeobox B13; minus strand). Cytogenetic location: 17q21.32.
Variant type: single nucleotide variant.
Coding change: c.742A>T on transcript NM_006361.6 (MANE Select); coding-DNA position 742, A replaced by T.
Protein change: p.Lys248Ter; replaces lysine 248 with a stop codon.
Molecular consequence: nonsense.
Genome position (GRCh38, 1-based): chr17:48,726,903, T>A on the plus strand (A>T on the coding strand, the complement: HOXB13 is on the minus strand). VCF-style: chr17-48726903-T-A. GRCh37 (hg19) VCF-style: chr17-46804265-T-A.
Other names: short protein forms K248*.
Identifiers: ClinVar variation 4844894 (VCV004844894.1).